The following is an entry in ClinVar:

ClinVar aggregate classification (germline): Uncertain significance. Review status: criteria provided, multiple submitters, no conflicts (2 of 4 stars). 2 submissions from 2 submitters: Uncertain significance (2). Last evaluated 2025-08-22.

Conditions:
Inborn genetic diseases. Identifiers: MedGen C0950123, MeSH D030342.
Nemaline myopathy 10 (NEM10). Identifiers: MedGen C4015360, MONDO:0014513, OMIM 616165.

Allele frequency attached by ClinVar (database versions not stated): TOPMed 0.00002.
gnomAD v4.1: 61 of 1,610,788 alleles (0.0038%); highest among the groups gnomAD compares: Non-Finnish European, 0.005%; no homozygotes.

Submissions (2):

Ambry Genetics
Classification: Uncertain significance for Inborn genetic diseases. Last evaluated: 2025-08-22. Review status: criteria provided, single submitter. Criteria: Ambry Variant Classification Scheme 2023. Collection method: clinical testing. Allele origin: germline.

Labcorp Genetics (formerly Invitae), Labcorp
Classification: Uncertain significance for Nemaline myopathy 10. Last evaluated: 2022-08-15. Review status: criteria provided, single submitter. Criteria: Invitae Variant Classification Sherloc (09022015). Collection method: clinical testing. Allele origin: germline.
Comment: In summary, the available evidence is currently insufficient to determine the role of this variant in disease. Therefore, it has been classified as a Variant of Uncertain Significance. Algorithms developed to predict the effect of missense changes on protein structure and function are either unavailable or do not agree on the potential impact of this missense change (SIFT: "Deleterious"; PolyPhen-2: "Probably Damaging"; Align-GVGD: "Class C0"). This variant has not been reported in the literature in individuals affected with LMOD3-related conditions. This variant is present in population databases (rs749726841, gnomAD 0.003%). This sequence change replaces arginine, which is basic and polar, with serine, which is neutral and polar, at codon 495 of the LMOD3 protein (p.Arg495Ser).

NM_198271.5(LMOD3):c.1483C>A (p.Arg495Ser)

Gene: LMOD3 (leiomodin 3; minus strand). Cytogenetic location: 3p14.1.
Variant type: single nucleotide variant.
Coding change: c.1483C>A on transcript NM_198271.5 (MANE Select); coding-DNA position 1483, C replaced by A.
Protein change: p.Arg495Ser; replaces arginine 495 with serine.
Molecular consequence: missense variant.
Genome position (GRCh38, 1-based): chr3:69,118,872, G>T on the plus strand (C>A on the coding strand, the complement: LMOD3 is on the minus strand). VCF-style: chr3-69118872-G-T. GRCh37 (hg19) VCF-style: chr3-69168023-G-T.
Other names: c.1483C>A, p.Arg495Ser (NM_001304418.3); c.1483C>A (NM_198271.3); short protein forms R495S.
Identifiers: ClinVar variation 1040790 (VCV001040790.6), dbSNP rs749726841, ClinGen allele CA2488764.